The following is an entry in ClinVar:

NM_001040108.2(MLH3):c.124G>C (p.Ala42Pro)

Gene: MLH3 (mutL homolog 3; minus strand). Cytogenetic location: 14q24.3.
Variant type: single nucleotide variant.
Coding change: c.124G>C on transcript NM_001040108.2 (MANE Select); coding-DNA position 124, G replaced by C.
Protein change: p.Ala42Pro; replaces alanine 42 with proline.
Molecular consequence: missense variant.
Genome position (GRCh38, 1-based): chr14:75,049,532, C>G on the plus strand (G>C on the coding strand, the complement: MLH3 is on the minus strand). VCF-style: chr14-75049532-C-G. GRCh37 (hg19) VCF-style: chr14-75516235-C-G.
Other names: c.124G>C, p.Ala42Pro (NM_014381.3); short protein forms A42P.
Identifiers: ClinVar variation 1760415 (VCV001760415.3), dbSNP rs748676497, ClinGen allele CA390451531.
Genomic context (GRCh38, chr14:75,049,532, plus strand): 5'-CCATCCCAAATCCATTGTCTATCACTTGAACTTGGAAGGTTTCCATATTCACCCTGACAG[C>G]CACACATTTTGCTTCAGCATCAATACTGTTGAGGGCAAGTTCCTCAACACATTGGCCCAA-3'
Protein context (NP_001035197.1, residues 32-52): NSIDAEAKCV[Ala42Pro]VRVNMETFQV

ClinVar aggregate classification (germline): Uncertain significance (1 of 4 stars; one submission).

Submission:

Ambry Genetics
Classification: Uncertain significance. Last evaluated: 2025-02-15. Review status: criteria provided, single submitter. Criteria: Ambry Variant Classification Scheme 2023. Collection method: clinical testing. Allele origin: germline.
Comment: The p.A42P variant (also known as c.124G>C), located in coding exon 1 of the MLH3 gene, results from a G to C substitution at nucleotide position 124. The alanine at codon 42 is replaced by proline, an amino acid with highly similar properties. This amino acid position is well conserved in available vertebrate species. In addition, the in silico prediction for this alteration is inconclusive. Since supporting evidence is limited at this time, the clinical significance of this alteration remains unclear.